The following is an entry in ClinVar:

ClinVar aggregate classification (germline): Pathogenic (1 of 4 stars; one submission).

Submission:

Athena Diagnostics
Classification: Pathogenic. Last evaluated: 2022-12-22. Review status: criteria provided, single submitter. Criteria: Athena Diagnostics Criteria. Collection method: clinical testing. Allele origin: unknown.
Comment: This variant is expected to result in the loss of a functional protein. Similar deletions of exons 47-50 have been primarily reported in patients with DMD, and also at least one with BMD (PMID: 26081009). Similar variants have not been reported in large, multi-ethnic general populations (Genome Aggregation Database (gnomAD), Cambridge, MA (URL)).

Literature cited by the submitters: PubMed 33644936; PubMed 26081009; PubMed 17259292; PubMed 17253928; PubMed 9048922; PubMed 16049303; PubMed 11388892; PubMed 10619712; PubMed 2613240; PubMed 19937601; PubMed 32169422; PubMed 1864612; PubMed 16936400; PubMed 9028449; PubMed 25482253; PubMed 27750387; PubMed 31727011; PubMed 34297739; PubMed 19367636; PubMed 33101180; PubMed 31443951; PubMed 20485447; PubMed 15684864; PubMed 31139960; PubMed 21515508; PubMed 29973226; PubMed 34149409; PubMed 36315559; PubMed 28610567; PubMed 28116794; PubMed 9800909.

Single allele

Gene: DMD (dystrophin; minus strand). Cytogenetic location: Xp21.1.
Variant type: Deletion.
Identifiers: ClinVar variation 2684112 (VCV002684112.1).